The following is an entry in ClinVar:

ClinVar aggregate classification (germline): Uncertain significance (1 of 4 stars; one submission).

Submission:

GeneDx
Classification: Uncertain significance. Last evaluated: 2024-12-31. Review status: criteria provided, single submitter. Criteria: GeneDx Variant Classification Process June 2021. Collection method: clinical testing. Allele origin: germline. Affected: yes.
Comment: Not observed at significant frequency in large population cohorts (gnomAD); In silico analysis indicates that this missense variant does not alter protein structure/function; Has not been previously published as pathogenic or benign to our knowledge

NM_152424.4(AMER1):c.2144G>A (p.Ser715Asn)

Gene: AMER1 (APC membrane recruitment protein 1; minus strand). Cytogenetic location: Xq11.2.
Variant type: single nucleotide variant.
Coding change: c.2144G>A on transcript NM_152424.4 (MANE Select); coding-DNA position 2144, G replaced by A.
Protein change: p.Ser715Asn; replaces serine 715 with asparagine.
Molecular consequence: missense variant.
Genome position (GRCh38, 1-based): chrX:64,191,143, C>T on the plus strand (G>A on the coding strand, the complement: AMER1 is on the minus strand). VCF-style: chrX-64191143-C-T. GRCh37 (hg19) VCF-style: chrX-63411023-C-T.
Other names: short protein forms S715N.
Identifiers: ClinVar variation 3907714 (VCV003907714.1).